The following is an entry in ClinVar:

NM_003104.6(SORD):c.920C>T (p.Ala307Val)

Gene: SORD (sorbitol dehydrogenase; plus strand). Cytogenetic location: 15q21.1.
Variant type: single nucleotide variant.
Coding change: c.920C>T on transcript NM_003104.6 (MANE Select); coding-DNA position 920, C replaced by T.
Protein change: p.Ala307Val; replaces alanine 307 with valine.
Molecular consequence: missense variant. On other transcripts: non-coding transcript variant (1).
Genome position (GRCh38, 1-based): chr15:45,073,376, C>T. VCF-style: chr15-45073376-C-T. GRCh37 (hg19) VCF-style: chr15-45365574-C-T.
Other names: short protein forms A307V.
Identifiers: ClinVar variation 3898198 (VCV003898198.7).

ClinVar aggregate classification (germline): Likely benign (1 of 4 stars; one submission).

Submission:

CeGaT Center for Human Genetics Tuebingen
Classification: Likely benign. Last evaluated: 2025-04-01. Review status: criteria provided, single submitter. Criteria: CeGaT Center For Human Genetics Tuebingen Variant Classification Criteria Version 2. Collection method: clinical testing. Allele origin: germline. Affected: yes. Observed: 1 variant allele.
Comment: SORD: BS1